The following is an entry in ClinVar:

ClinVar aggregate classification (germline): Uncertain significance. Review status: criteria provided, multiple submitters, no conflicts (2 of 4 stars). 2 submissions from 2 submitters: Uncertain significance (2). Last evaluated 2025-11-25.

Conditions:
Dilated cardiomyopathy 1KK (CMD1KK). Identifiers: Orphanet 154, Orphanet 75249, MedGen C3714995, MONDO:0014100, OMIM 615248.
Cardiovascular phenotype. Identifiers: MedGen CN230736.

Allele frequency attached by ClinVar (database versions not stated): gnomAD 0.00001.
gnomAD v4.1: 1 of 1,613,954 alleles (0.000062%); highest among the groups gnomAD compares: African/African-American, 0.0013%; no homozygotes.

Submissions (2):

Ambry Genetics
Classification: Uncertain significance for Cardiovascular phenotype. Last evaluated: 2025-11-25. Review status: criteria provided, single submitter. Criteria: Ambry Variant Classification Scheme 2023. Collection method: clinical testing. Allele origin: germline.
Comment: The p.Y1204S variant (also known as c.3611A>C), located in coding exon 17 of the MYPN gene, results from an A to C substitution at nucleotide position 3611. The tyrosine at codon 1204 is replaced by serine, an amino acid with dissimilar properties. This amino acid position is conserved. In addition, the in silico prediction for this alteration is inconclusive. Based on the available evidence, the clinical significance of this variant remains unclear.

Labcorp Genetics (formerly Invitae), Labcorp
Classification: Uncertain significance for Dilated cardiomyopathy 1KK. Last evaluated: 2022-08-16. Review status: criteria provided, single submitter. Criteria: Invitae Variant Classification Sherloc (09022015). Collection method: clinical testing. Allele origin: germline.
Comment: This sequence change replaces tyrosine, which is neutral and polar, with serine, which is neutral and polar, at codon 1204 of the MYPN protein (p.Tyr1204Ser). This variant is present in population databases (no rsID available, gnomAD 0.01%). This variant has not been reported in the literature in individuals affected with MYPN-related conditions. ClinVar contains an entry for this variant (Variation ID: 1350351). Algorithms developed to predict the effect of missense changes on protein structure and function are either unavailable or do not agree on the potential impact of this missense change (SIFT: "Deleterious"; PolyPhen-2: "Possibly Damaging"; Align-GVGD: "Class C0"). In summary, the available evidence is currently insufficient to determine the role of this variant in disease. Therefore, it has been classified as a Variant of Uncertain Significance.

NM_032578.4(MYPN):c.3611A>C (p.Tyr1204Ser)

Gene: MYPN (myopalladin; plus strand). Cytogenetic location: 10q21.3.
Variant type: single nucleotide variant.
Coding change: c.3611A>C on transcript NM_032578.4 (MANE Select); coding-DNA position 3611, A replaced by C.
Protein change: p.Tyr1204Ser; replaces tyrosine 1204 with serine.
Molecular consequence: missense variant. On other transcripts: non-coding transcript variant (2).
Genome position (GRCh38, 1-based): chr10:68,201,946, A>C. VCF-style: chr10-68201946-A-C. GRCh37 (hg19) VCF-style: chr10-69961703-A-C.
Other names: c.3611A>C, p.Tyr1204Ser (NM_001256267.2); c.2729A>C, p.Tyr910Ser (NM_001256268.2); c.3611A>C (NM_032578.2); short protein forms Y1204S, Y910S.
Identifiers: ClinVar variation 1350351 (VCV001350351.6), dbSNP rs1267268782, ClinGen allele CA376860216.